The following is an entry in ClinVar:

ClinVar aggregate classification (germline): Uncertain significance (1 of 4 stars; one submission).

Submission:

Labcorp Genetics (formerly Invitae), Labcorp
Classification: Uncertain significance. Last evaluated: 2025-03-12. Review status: criteria provided, single submitter. Criteria: Invitae Variant Classification Sherloc (09022015). Collection method: clinical testing. Allele origin: germline.
Comment: This sequence change replaces isoleucine, which is neutral and non-polar, with threonine, which is neutral and polar, at codon 285 of the CFI protein (p.Ile285Thr). This variant is not present in population databases (gnomAD no frequency). This variant has not been reported in the literature in individuals affected with CFI-related conditions. ClinVar contains an entry for this variant (Variation ID: 1497862). Invitae Evidence Modeling of protein sequence and biophysical properties (such as structural, functional, and spatial information, amino acid conservation, physicochemical variation, residue mobility, and thermodynamic stability) has been performed for this missense variant. However, the output from this modeling did not meet the statistical confidence thresholds required to predict the impact of this variant on CFI protein function. In summary, the available evidence is currently insufficient to determine the role of this variant in disease. Therefore, it has been classified as a Variant of Uncertain Significance.

NM_000204.5(CFI):c.854T>C (p.Ile285Thr)

Gene: CFI (complement factor I; minus strand). Cytogenetic location: 4q25.
Variant type: single nucleotide variant.
Coding change: c.854T>C on transcript NM_000204.5 (MANE Select); coding-DNA position 854, T replaced by C.
Protein change: p.Ile285Thr; replaces isoleucine 285 with threonine.
Molecular consequence: missense variant. On other transcripts: non-coding transcript variant (3).
Genome position (GRCh38, 1-based): chr4:109,760,299, A>G on the plus strand (T>C on the coding strand, the complement: CFI is on the minus strand). VCF-style: chr4-109760299-A-G. GRCh37 (hg19) VCF-style: chr4-110681455-A-G.
Other names: c.854T>C, p.Ile285Thr (NM_001318057.2, NM_001331035.2, NM_001375278.1 and 5 more transcripts); c.245T>C, p.Ile82Thr (NM_001375284.1); short protein forms I285T, I82T.
Identifiers: ClinVar variation 1497862 (VCV001497862.8), dbSNP rs2126213808, ClinGen allele CA357861070.